The following is an entry in ClinVar:

ClinVar aggregate classification (germline): Uncertain significance. Review status: criteria provided, multiple submitters, no conflicts (2 of 4 stars). 3 submissions from 3 submitters: Uncertain significance (3). Last evaluated 2024-12-08.

Conditions:
Hereditary cancer-predisposing syndrome. Also called: Hereditary Cancer Syndrome; Neoplastic Syndromes, Hereditary; Hereditary neoplastic syndrome; Tumor predisposition. Identifiers: Orphanet 140162, MedGen C0027672, MeSH D009386, MONDO:0015356.
Tumor predisposition syndrome 3 (TPDS3). Also called: LONG TELOMERE SYNDROME, POT1-RELATED; POT1 Tumor Predisposition; Glioma susceptibility 9; Melanoma, cutaneous malignant, susceptibility to, 10. Identifiers: Orphanet 618, MedGen C4014476, MONDO:0014368, OMIM 615848.

Submissions (3):

Labcorp Genetics (formerly Invitae), Labcorp
Classification: Uncertain significance for Tumor predisposition syndrome 3. Last evaluated: 2024-12-08. Review status: criteria provided, single submitter. Criteria: Invitae Variant Classification Sherloc (09022015). Collection method: clinical testing. Allele origin: germline.
Comment: This sequence change replaces isoleucine, which is neutral and non-polar, with leucine, which is neutral and non-polar, at codon 218 of the POT1 protein (p.Ile218Leu). This variant is not present in population databases (gnomAD no frequency). This variant has not been reported in the literature in individuals affected with POT1-related conditions. ClinVar contains an entry for this variant (Variation ID: 1416364). Invitae Evidence Modeling of protein sequence and biophysical properties (such as structural, functional, and spatial information, amino acid conservation, physicochemical variation, residue mobility, and thermodynamic stability) indicates that this missense variant is not expected to disrupt POT1 protein function with a negative predictive value of 80%. In summary, the available evidence is currently insufficient to determine the role of this variant in disease. Therefore, it has been classified as a Variant of Uncertain Significance.

Ambry Genetics
Classification: Uncertain significance for Hereditary cancer-predisposing syndrome. Last evaluated: 2024-09-01. Review status: criteria provided, single submitter. Criteria: Ambry Variant Classification Scheme 2023. Collection method: clinical testing. Allele origin: germline.
Comment: The p.I218L variant (also known as c.652A>C), located in coding exon 5 of the POT1 gene, results from an A to C substitution at nucleotide position 652. The isoleucine at codon 218 is replaced by leucine, an amino acid with highly similar properties. This amino acid position is conserved. In addition, this alteration is predicted to be tolerated by in silico analysis. Based on the available evidence, the clinical significance of this variant remains unclear.

Quest Diagnostics Nichols Institute San Juan Capistrano
Classification: Uncertain significance. Last evaluated: 2023-03-10. Review status: criteria provided, single submitter. Criteria: Quest Diagnostics criteria. Collection method: clinical testing. Allele origin: unknown.
Comment: The variant has not been reported in individuals with POT1-related conditions in the published literature. It also has not been reported in large, multi-ethnic general populations. Analysis of this variant using bioinformatics tools for the prediction of the effect of amino acid changes on protein structure and function yielded predictions that this variant is benign. Based on the available information, we are unable to determine the clinical significance of this variant.

NM_015450.3(POT1):c.652A>C (p.Ile218Leu)

Gene: POT1 (protection of telomeres 1; minus strand). Cytogenetic location: 7q31.33.
Variant type: single nucleotide variant.
Coding change: c.652A>C on transcript NM_015450.3 (MANE Select); coding-DNA position 652, A replaced by C.
Protein change: p.Ile218Leu; replaces isoleucine 218 with leucine.
Molecular consequence: missense variant. On other transcripts: non-coding transcript variant (3).
Genome position (GRCh38, 1-based): chr7:124,859,007, T>G on the plus strand (A>C on the coding strand, the complement: POT1 is on the minus strand). VCF-style: chr7-124859007-T-G. GRCh37 (hg19) VCF-style: chr7-124499061-T-G.
Other names: c.652A>C (NM_015450.2); c.259A>C, p.Ile87Leu (NM_001042594.2); short protein forms I87L, I218L.
Identifiers: ClinVar variation 1416364 (VCV001416364.8), dbSNP rs1795515981, ClinGen allele CA369056227.